The following is an entry in ClinVar:

ClinVar aggregate classification (germline): Conflicting classifications of pathogenicity. Review status: criteria provided, conflicting classifications (1 of 4 stars). 2 submissions from 2 submitters: Uncertain significance (1); Likely benign (1). Last evaluated 2025-11-29.

Conditions:
Long QT syndrome (LQTS). Identifiers: MedGen C0023976, MeSH D008133, MONDO:0002442. Disease mechanism: loss of function. Inheritance: Various modes of inheritance.
Cardiovascular phenotype. Identifiers: MedGen CN230736.

Allele frequency attached by ClinVar (database versions not stated): TOPMed 0.00009.
gnomAD v4.1: 13 of 1,581,382 alleles (0.00082%); highest among the groups gnomAD compares: Admixed American, 0.023%; no homozygotes.

Submissions (2):

Labcorp Genetics (formerly Invitae), Labcorp
Classification: Likely benign for Long QT syndrome. Last evaluated: 2025-11-29. Review status: criteria provided, single submitter. Criteria: Invitae Variant Classification Sherloc (09022015). Collection method: clinical testing. Allele origin: germline.

Ambry Genetics
Classification: Uncertain significance for Cardiovascular phenotype. Last evaluated: 2019-10-07. Review status: criteria provided, single submitter. Criteria: Ambry Variant Classification Scheme 2023. Collection method: clinical testing. Allele origin: germline.
Comment: The p.Q2028H variant (also known as c.6084G>T), located in coding exon 46 of the CACNA1C gene, results from a G to T substitution at nucleotide position 6084. The glutamine at codon 2028 is replaced by histidine, an amino acid with highly similar properties. This amino acid position is well conserved in available vertebrate species. In addition, this alteration is predicted to be tolerated by in silico analysis. Since supporting evidence is limited at this time, the clinical significance of this alteration remains unclear.

NM_000719.7(CACNA1C):c.6084G>T (p.Gln2028His)

Genes: CACNA1C (calcium voltage-gated channel subunit alpha1 C; plus strand), CACNA1C-AS1 (CACNA1C antisense RNA 1; minus strand). Cytogenetic location: 12p13.33.
Variant type: single nucleotide variant.
Coding change: c.6084G>T on transcript NM_000719.7 (MANE Select); coding-DNA position 6084, G replaced by T.
Protein change: p.Gln2028His; replaces glutamine 2028 with histidine.
Molecular consequence: missense variant.
Genome position (GRCh38, 1-based): chr12:2,688,746, G>T. VCF-style: chr12-2688746-G-T. GRCh37 (hg19) VCF-style: chr12-2797912-G-T.
Other names: c.6228G>T, p.Gln2076His (NM_001129827.2); c.6207G>T, p.Gln2069His (NM_001129829.2); c.6189G>T, p.Gln2063His (NM_001129830.3, NM_001167624.3); c.6168G>T, p.Gln2056His (NM_001129831.2); c.6144G>T, p.Gln2048His (NM_001129832.2); c.6141G>T, p.Gln2047His (NM_001129833.2, NM_001129834.2, NM_001129835.2); c.6135G>T, p.Gln2045His (NM_001129836.2); c.6108G>T, p.Gln2036His (NM_001129837.2, NM_001129838.2); and 6 more; short protein forms Q2017H, Q2025H, Q2028H, Q2034H, Q2036H, Q2045H, Q2047H, Q2048H.
Identifiers: ClinVar variation 1015059 (VCV001015059.11), dbSNP rs767141738, ClinGen allele CA6390073.